The following is an entry in ClinVar:

NM_019032.6(ADAMTSL4):c.1098G>A (p.Gly366=)

Genes: ADAMTSL4 (ADAMTS like 4; plus strand), ADAMTSL4-AS2 (ADAMTSL4 antisense RNA 2; minus strand). Cytogenetic location: 1q21.2.
Variant type: single nucleotide variant.
Coding change: c.1098G>A on transcript NM_019032.6 (MANE Select); coding-DNA position 1098, G replaced by A.
Protein change: p.Gly366=; no amino-acid change (glycine 366 retained).
Molecular consequence: synonymous variant.
Genome position (GRCh38, 1-based): chr1:150,554,089, G>A. VCF-style: chr1-150554089-G-A. GRCh37 (hg19) VCF-style: chr1-150526565-G-A.
Other names: c.1098G>A, p.Gly366= (NM_001288607.2, NM_001288608.2, NM_001378596.1 and 1 more transcripts).
Identifiers: ClinVar variation 261075 (VCV000261075.20), dbSNP rs75477151, ClinGen allele CA1078119.

ClinVar aggregate classification (germline): Benign/Likely benign. Review status: criteria provided, multiple submitters, no conflicts (2 of 4 stars). 8 submissions from 7 submitters: Benign (7); Likely benign (1). Last evaluated 2026-02-04.

Conditions:
Ectopia lentis et pupillae. Also called: ECTOPIA LENTIS WITH ECTOPIA OF PUPIL. Identifiers: Orphanet 1885, MedGen C1644196, MONDO:0009153, OMIM 225200.
Ectopia lentis 2, isolated, autosomal recessive (ECTOL2). Identifiers: Orphanet 1885, MedGen C3541474, MONDO:0009152, OMIM 225100.

Allele frequency attached by ClinVar (database versions not stated): ESP Exome Variant Server 0.00035; gnomAD exomes 0.00273 and 0.00903; gnomAD 0.00424 and 0.00486; TOPMed 0.00654; ExAC 0.00807; 1000 Genomes Project 30x 0.01390; 1000 Genomes Project 0.01438.

Submissions (8):

Labcorp Genetics (formerly Invitae), Labcorp
Classification: Benign. Last evaluated: 2026-02-04. Review status: criteria provided, single submitter. Criteria: Invitae Variant Classification Sherloc (09022015). Collection method: clinical testing. Allele origin: germline.

Blueprint Genetics
Classification: Likely benign. Last evaluated: 2024-11-25. Review status: criteria provided, single submitter. Criteria: ACMG Guidelines, 2015. Collection method: clinical testing. Allele origin: germline.

Genome-Nilou Lab
Classification: Benign for Ectopia lentis et pupillae. Last evaluated: 2023-04-11. Review status: criteria provided, single submitter. Criteria: ACMG Guidelines, 2015. Collection method: clinical testing. Allele origin: germline. Affected: no.

Genome-Nilou Lab
Classification: Benign for Ectopia lentis 2, isolated, autosomal recessive. Last evaluated: 2023-04-11. Review status: criteria provided, single submitter. Criteria: ACMG Guidelines, 2015. Collection method: clinical testing. Allele origin: germline. Affected: no.

GeneDx
Classification: Benign. Last evaluated: 2018-10-10. Review status: criteria provided, single submitter. Criteria: GeneDx Variant Classification Process June 2021. Collection method: clinical testing. Allele origin: germline. Affected: yes.

Illumina Laboratory Services, Illumina
Classification: Benign for Ectopia lentis 2, isolated, autosomal recessive. Last evaluated: 2018-01-13. Review status: criteria provided, single submitter. Criteria: ICSL Variant Classification Criteria 13 December 2019. Collection method: clinical testing. Allele origin: germline.
Comment: This variant was observed in the ICSL laboratory as part of a predisposition screen in an ostensibly healthy population. It had not been previously curated by ICSL or reported in the Human Gene Mutation Database (HGMD: prior to June 1st, 2018), and was therefore a candidate for classification through an automated scoring system. Utilizing variant allele frequency, disease prevalence and penetrance estimates, and inheritance mode, an automated score was calculated to assess if this variant is too frequent to cause the disease. Based on the score and internal cut-off values, a variant classified as benign is not then subjected to further curation. The score for this variant resulted in a classification of benign for this disease.

Breakthrough Genomics
Classification: Benign. Review status: criteria provided, single submitter. Criteria: ACMG Guidelines, 2015. Collection method: not provided. Allele origin: germline. Inheritance: Autosomal recessive inheritance. Affected: yes.

PreventionGenetics, part of Exact Sciences
Classification: Benign. Review status: criteria provided, single submitter. Criteria: ACMG Guidelines, 2015. Collection method: clinical testing. Allele origin: germline.